The following is an entry in ClinVar:

NM_001318510.2(ACSL4):c.25C>T (p.Pro9Ser)

Gene: ACSL4 (acyl-CoA synthetase long chain family member 4; minus strand). Cytogenetic location: Xq23.
Variant type: single nucleotide variant.
Coding change: c.25C>T on transcript NM_001318510.2 (MANE Select); coding-DNA position 25, C replaced by T.
Protein change: p.Pro9Ser; replaces proline 9 with serine.
Molecular consequence: missense variant.
Genome position (GRCh38, 1-based): chrX:109,683,339, G>A on the plus strand (C>T on the coding strand, the complement: ACSL4 is on the minus strand). VCF-style: chrX-109683339-G-A. GRCh37 (hg19) VCF-style: chrX-108926568-G-A.
Other names: c.148C>T, p.Pro50Ser (NM_001318509.2, NM_022977.3); c.25C>T, p.Pro9Ser (NM_004458.3); short protein forms P50S, P9S.
Identifiers: ClinVar variation 3903128 (VCV003903128.2).
Genomic context (GRCh38, chrX:109,683,339, plus strand): 5'-CAGCTAGTGAGTCGAAGTGTGTGACAGAGCGATATGGACTTCCAGGTTTGTCTGAAGTGG[G>A]CTTAGCTTTTATTCTCTTTGCCATAGCGTTTTTCTTCTTGGCATTGGTAAGAAAATACCA-3'
Protein context (NP_001305439.1, residues 1-19): MAKRIKAK[Pro9Ser]TSDKPGSPYR

ClinVar aggregate classification (germline): Uncertain significance (1 of 4 stars; one submission).

gnomAD v4.1: 1 of 1,211,825 alleles (0.000083%); highest among the groups gnomAD compares: Non-Finnish European, 0.00011%; no homozygotes.

Submission:

GeneDx
Classification: Uncertain significance. Last evaluated: 2025-08-29. Review status: criteria provided, single submitter. Criteria: GeneDx Variant Classification Process June 2021. Collection method: clinical testing. Allele origin: germline.
Comment: Not observed at significant frequency in large population cohorts (gnomAD); In silico analysis supports that this missense variant has a deleterious effect on protein structure/function; Has not been previously published as pathogenic or benign to our knowledge